The following is an entry in ClinVar:

NM_006180.6(NTRK2):c.975T>C (p.Asn325=)

Gene: NTRK2 (neurotrophic receptor tyrosine kinase 2; plus strand). Cytogenetic location: 9q21.33.
Variant type: single nucleotide variant.
Coding change: c.975T>C on transcript NM_006180.6 (MANE Select); coding-DNA position 975, T replaced by C.
Protein change: p.Asn325=; no amino-acid change (asparagine 325 retained).
Molecular consequence: synonymous variant.
Genome position (GRCh38, 1-based): chr9:84,727,775, T>C. VCF-style: chr9-84727775-T-C. GRCh37 (hg19) VCF-style: chr9-87342690-T-C.
Other names: c.975T>C, p.Asn325= (NM_001007097.3, NM_001018064.3, NM_001018065.2 and 16 more transcripts); c.936T>C, p.Asn312= (NM_001291937.2, NM_001369546.1); c.507T>C, p.Asn169= (NM_001369535.1, NM_001369536.1, NM_001369550.1 and 2 more transcripts).
Identifiers: ClinVar variation 4991534 (VCV004991534.1).
Genomic context (GRCh38, chr9:84,727,775, plus strand): 5'-CACTGTGAAAGGCAACCCCAAACCAGCGCTTCAGTGGTTCTATAACGGGGCAATATTGAA[T>C]GAGTCCAAATACATCTGTACTAAAATACATGTTACCAATCACACGGAGTACCACGGCTGC-3'
Protein context (NP_006171.2, residues 315-335): LQWFYNGAIL[Asn325=]ESKYICTKIH

ClinVar aggregate classification (germline): Likely benign (1 of 4 stars; one submission).

Conditions:
NTRK2-related disorder. Also called: NTRK2-related condition.

Submission:

PreventionGenetics, part of Exact Sciences
Classification: Likely benign for NTRK2-related condition. Last evaluated: 2025-12-26. Review status: criteria provided, single submitter. Criteria: ACMG Guidelines, 2015. Collection method: clinical testing. Allele origin: germline.
Comment: This variant is classified as likely benign based on ACMG/AMP sequence variant interpretation guidelines (Richards et al. 2015 PMID: 25741868, with internal and published modifications).